The following is an entry in ClinVar:

NM_001478.5(B4GALNT1):c.1024C>T (p.Leu342=)

Gene: B4GALNT1 (beta-1,4-N-acetyl-galactosaminyltransferase 1; minus strand). Cytogenetic location: 12q13.3.
Variant type: single nucleotide variant.
Coding change: c.1024C>T on transcript NM_001478.5 (MANE Select); coding-DNA position 1024, C replaced by T.
Protein change: p.Leu342=; no amino-acid change (leucine 342 retained).
Molecular consequence: synonymous variant.
Genome position (GRCh38, 1-based): chr12:57,628,241, G>A on the plus strand (C>T on the coding strand, the complement: B4GALNT1 is on the minus strand). VCF-style: chr12-57628241-G-A. GRCh37 (hg19) VCF-style: chr12-58022024-G-A.
Other names: p.Leu342=; c.859C>T, p.Leu287= (NM_001276468.2).
Identifiers: ClinVar variation 413846 (VCV000413846.41), dbSNP rs11616065, ClinGen allele CA6655549.

ClinVar aggregate classification (germline): Benign. Review status: criteria provided, multiple submitters, no conflicts (2 of 4 stars). 5 submissions from 5 submitters: Benign (5). Last evaluated 2026-09-01.

Conditions:
Spastic paraplegia. Identifiers: MedGen C0037772, HP:0001258.

Allele frequency attached by ClinVar (database versions not stated): 1000 Genomes Project 0.00519; 1000 Genomes Project 30x 0.00531; gnomAD 0.00659 and 0.00737; gnomAD exomes 0.00762 and 0.00917; ESP Exome Variant Server 0.00769; ExAC 0.00793; TOPMed 0.00829.

Submissions (5):

CeGaT Center for Human Genetics Tuebingen
Classification: Benign. Last evaluated: 2026-09-01. Review status: criteria provided, single submitter. Criteria: CeGaT Center For Human Genetics Tuebingen Variant Classification Criteria Version 2. Collection method: clinical testing. Allele origin: germline. Affected: yes. Observed: 59 variant alleles.
Comment: B4GALNT1: BP4, BS1, BS2

Labcorp Genetics (formerly Invitae), Labcorp
Classification: Benign for Spastic paraplegia. Last evaluated: 2026-02-01. Review status: criteria provided, single submitter. Criteria: Invitae Variant Classification Sherloc (09022015). Collection method: clinical testing. Allele origin: germline.

Mayo Clinic Laboratories, Mayo Clinic
Classification: Benign. Last evaluated: 2019-08-23. Review status: criteria provided, single submitter. Criteria: ACMG Guidelines, 2015. Collection method: clinical testing. Allele origin: germline. Observed: 34 variant alleles.

GeneDx
Classification: Benign. Last evaluated: 2017-03-30. Review status: criteria provided, single submitter. Criteria: GeneDx Variant Classification (06012015). Collection method: clinical testing. Allele origin: germline. Affected: yes.
Comment: This variant is considered likely benign or benign based on one or more of the following criteria: it is a conservative change, it occurs at a poorly conserved position in the protein, it is predicted to be benign by multiple in silico algorithms, and/or has population frequency not consistent with disease.

Breakthrough Genomics
Classification: Benign. Review status: criteria provided, single submitter. Criteria: ACMG Guidelines, 2015. Collection method: not provided. Allele origin: germline. Inheritance: Autosomal recessive inheritance. Affected: yes.